The following is an entry in ClinVar:

NM_000465.4(BARD1):c.348T>C (p.His116=)

Gene: BARD1 (BRCA1 associated RING domain 1; minus strand). Cytogenetic location: 2q35.
Variant type: single nucleotide variant.
Coding change: c.348T>C on transcript NM_000465.4 (MANE Select); coding-DNA position 348, T replaced by C.
Protein change: p.His116=; no amino-acid change (histidine 116 retained).
Molecular consequence: synonymous variant. On other transcripts: non-coding transcript variant (1), intron variant (2).
Genome position (GRCh38, 1-based): chr2:214,792,313, A>G on the plus strand (T>C on the coding strand, the complement: BARD1 is on the minus strand). VCF-style: chr2-214792313-A-G. GRCh37 (hg19) VCF-style: chr2-215657037-A-G.
Other names: p.H116H:CAT>CAC; c.291T>C, p.His97= (NM_001282543.2); c.348T>C, p.His116= (NM_001282549.2); c.158+17099T>C (NM_001282548.2); c.215+4748T>C (NM_001282545.2).
Identifiers: ClinVar variation 182024 (VCV000182024.42), dbSNP rs139934362, ClinGen allele CA333726.

ClinVar aggregate classification (germline): Benign/Likely benign. Review status: criteria provided, multiple submitters, no conflicts (2 of 4 stars). 11 submissions from 11 submitters: Benign (4); Likely benign (7). Last evaluated 2026-01-26.

Conditions:
Hereditary cancer-predisposing syndrome. Also called: Tumor predisposition; Neoplastic Syndromes, Hereditary; Hereditary Cancer Syndrome; Hereditary neoplastic syndrome. Identifiers: Orphanet 140162, MedGen C0027672, MeSH D009386, MONDO:0015356.
Familial cancer of breast. Also called: hereditary breast carcinoma; BREAST CANCER, FAMILIAL; Hereditary breast cancer. Identifiers: Orphanet 227535, MedGen C0346153, MONDO:0016419, OMIM 114480. Disease mechanism: loss of function.

Allele frequency attached by ClinVar (database versions not stated): ExAC 0.00013; gnomAD exomes 0.00014 and 0.00003; ESP Exome Variant Server 0.00031; gnomAD 0.00034 and 0.00039; TOPMed 0.00050; 1000 Genomes Project 0.00060; 1000 Genomes Project 30x 0.00062.
gnomAD v4.1: 101 of 1,613,544 alleles (0.0063%); highest among the groups gnomAD compares: African/African-American, 0.1%; no homozygotes.

Submissions (11):

Labcorp Genetics (formerly Invitae), Labcorp
Classification: Benign for Familial cancer of breast. Last evaluated: 2026-01-26. Review status: criteria provided, single submitter. Criteria: Invitae Variant Classification Sherloc (09022015). Collection method: clinical testing. Allele origin: germline.

CeGaT Center for Human Genetics Tuebingen
Classification: Likely benign. Last evaluated: 2025-07-01. Review status: criteria provided, single submitter. Criteria: CeGaT Center For Human Genetics Tuebingen Variant Classification Criteria Version 2. Collection method: clinical testing. Allele origin: germline. Affected: yes. Observed: 2 variant alleles.
Comment: BARD1: BP4, BP7

Myriad Genetics, Inc.
Classification: Benign for Familial cancer of breast. Last evaluated: 2024-07-19. Review status: criteria provided, single submitter. Criteria: Myriad Autosomal Dominant, Autosomal Recessive and X-Linked Classification Criteria (2023). Collection method: clinical testing. Allele origin: unknown.
Comment: This variant is considered benign. This variant is a silent/synonymous amino acid change and it is not expected to impact splicing.

Quest Diagnostics Nichols Institute San Juan Capistrano
Classification: Benign. Last evaluated: 2023-09-05. Review status: criteria provided, single submitter. Criteria: Quest Diagnostics criteria. Collection method: clinical testing. Allele origin: unknown.

Sema4
Classification: Likely benign for Hereditary cancer-predisposing syndrome. Last evaluated: 2020-12-10. Review status: criteria provided, single submitter. Criteria: Sema4 Curation Guidelines. Collection method: curation. Allele origin: germline.

Women's Health and Genetics/Laboratory Corporation of America, LabCorp
Classification: Likely benign. Last evaluated: 2020-09-25. Review status: criteria provided, single submitter. Criteria: LabCorp Variant Classification Summary - May 2015. Collection method: clinical testing. Allele origin: germline.

Department of Pathology and Laboratory Medicine, Sinai Health System
Classification: Likely benign for Familial cancer of breast. Last evaluated: 2020-01-28. Review status: criteria provided, single submitter. Criteria: ACMG Guidelines, 2015. Collection method: clinical testing. Allele origin: germline. Affected: yes.

Genetic Services Laboratory, University of Chicago
Classification: Likely benign. Last evaluated: 2019-07-01. Review status: criteria provided, single submitter. Criteria: ACMG Guidelines, 2015. Collection method: clinical testing. Allele origin: germline. Affected: no.

Color Diagnostics, LLC DBA Color Health
Classification: Likely benign for Hereditary cancer-predisposing syndrome. Last evaluated: 2016-01-06. Review status: criteria provided, single submitter. Criteria: ACMG Guidelines, 2015. Collection method: clinical testing. Allele origin: germline.

Ambry Genetics
Classification: Likely benign for Hereditary cancer-predisposing syndrome. Last evaluated: 2014-12-12. Review status: criteria provided, single submitter. Criteria: Ambry Variant Classification Scheme 2023. Collection method: clinical testing. Allele origin: germline.

GeneDx
Classification: Benign. Last evaluated: 2014-07-07. Review status: criteria provided, single submitter. Criteria: GeneDx Variant Classification (06012015). Collection method: clinical testing. Allele origin: germline. Affected: yes.
Comment: This variant is considered likely benign or benign based on one or more of the following criteria: it is a conservative change, it occurs at a poorly conserved position in the protein, it is predicted to be benign by multiple in silico algorithms, and/or has population frequency not consistent with disease.